The following is an entry in ClinVar:

ClinVar aggregate classification (germline): Uncertain significance (1 of 4 stars; one submission).

Allele frequency attached by ClinVar (database versions not stated): gnomAD 0.00001; gnomAD exomes 0.00001 and 0.00002; TOPMed 0.00001; 1000 Genomes Project 30x 0.00016; 1000 Genomes Project 0.00020.
gnomAD v4.1: 27 of 1,614,180 alleles (0.0017%); highest among the groups gnomAD compares: Middle Eastern, 0.016%; no homozygotes.

Submission:

Labcorp Genetics (formerly Invitae), Labcorp
Classification: Uncertain significance. Last evaluated: 2023-10-19. Review status: criteria provided, single submitter. Criteria: Invitae Variant Classification Sherloc (09022015). Collection method: clinical testing. Allele origin: germline.
Comment: This sequence change replaces arginine, which is basic and polar, with cysteine, which is neutral and slightly polar, at codon 1253 of the SZT2 protein (p.Arg1253Cys). This variant is present in population databases (rs538389448, gnomAD 0.003%). This variant has not been reported in the literature in individuals affected with SZT2-related conditions. ClinVar contains an entry for this variant (Variation ID: 1054867). Advanced modeling of protein sequence and biophysical properties (such as structural, functional, and spatial information, amino acid conservation, physicochemical variation, residue mobility, and thermodynamic stability) has been performed at Invitae for this missense variant, however the output from this modeling did not meet the statistical confidence thresholds required to predict the impact of this variant on SZT2 protein function. In summary, the available evidence is currently insufficient to determine the role of this variant in disease. Therefore, it has been classified as a Variant of Uncertain Significance.

NM_001365999.1(SZT2):c.3928C>T (p.Arg1310Cys)

Gene: SZT2 (SZT2 subunit of KICSTOR complex; plus strand). Cytogenetic location: 1p34.2.
Variant type: single nucleotide variant.
Coding change: c.3928C>T on transcript NM_001365999.1 (MANE Select); coding-DNA position 3928, C replaced by T.
Protein change: p.Arg1310Cys; replaces arginine 1310 with cysteine.
Molecular consequence: missense variant.
Genome position (GRCh38, 1-based): chr1:43,428,248, C>T. VCF-style: chr1-43428248-C-T. GRCh37 (hg19) VCF-style: chr1-43893919-C-T.
Other names: c.3757C>T, p.Arg1253Cys (NM_015284.4); short protein forms R1253C, R1310C.
Identifiers: ClinVar variation 1054867 (VCV001054867.5), dbSNP rs538389448, ClinGen allele CA21634975.